The following is an entry in ClinVar:

ClinVar aggregate classification (germline): Conflicting classifications of pathogenicity. Review status: criteria provided, conflicting classifications (1 of 4 stars). 4 submissions from 4 submitters: Uncertain significance (3); Likely benign (1). Last evaluated 2024-04-30.

Conditions:
Hereditary cancer-predisposing syndrome. Also called: Neoplastic Syndromes, Hereditary; Tumor predisposition; Hereditary Cancer Syndrome; Hereditary neoplastic syndrome. Identifiers: Orphanet 140162, MedGen C0027672, MeSH D009386, MONDO:0015356.
Hereditary breast ovarian cancer syndrome. Also called: Hereditary breast and ovarian cancer syndrome; Hereditary breast and/or ovarian cancer syndrome; Hereditary breast and ovarian cancer syndrome (HBOC); Breast and ovarian cancer; BRCA1- and BRCA2-Associated Hereditary Breast and Ovarian Cancer; Hereditary breast and ovarian cancer. Identifiers: Orphanet 145, MedGen C0677776, MeSH D061325, MONDO:0003582. Disease mechanism: loss of function.

Allele frequency attached by ClinVar (database versions not stated): gnomAD exomes below 0.00001.
gnomAD v4.1: 6 of 1,596,302 alleles (0.00038%); highest among the groups gnomAD compares: Non-Finnish European, 0.00051%; no homozygotes.

Submissions (4):

GeneDx
Classification: Uncertain significance. Last evaluated: 2024-04-30. Review status: criteria provided, single submitter. Criteria: GeneDx Variant Classification Process June 2021. Collection method: clinical testing. Allele origin: germline. Affected: yes.
Comment: Not observed at significant frequency in large population cohorts (gnomAD); In silico analysis indicates that this missense variant does not alter protein structure/function; Has not been previously published as pathogenic or benign to our knowledge; Also known as 4436C>T

University of Washington Department of Laboratory Medicine, University of Washington
Classification: Likely benign for Hereditary cancer-predisposing syndrome. Last evaluated: 2023-03-23. Review status: criteria provided, single submitter. Criteria: Dines et al. (Genet Med. 2020). Collection method: curation. Allele origin: germline.
Comment: Missense variant in a coldspot region where missense variants are very unlikely to be pathogenic (PMID:31911673).

BRCA2 exon 11 coldspot. Reclassification based on statistical prior probability.

Labcorp Genetics (formerly Invitae), Labcorp
Classification: Uncertain significance for Hereditary breast ovarian cancer syndrome. Last evaluated: 2020-08-08. Review status: criteria provided, single submitter. Criteria: Invitae Variant Classification Sherloc (09022015). Collection method: clinical testing. Allele origin: germline.
Comment: This variant is not present in population databases (ExAC no frequency). In summary, the available evidence is currently insufficient to determine the role of this variant in disease. Therefore, it has been classified as a Variant of Uncertain Significance. Advanced modeling of protein sequence and biophysical properties (such as structural, functional, and spatial information, amino acid conservation, physicochemical variation, residue mobility, and thermodynamic stability) performed at Invitae indicates that this missense variant is not expected to disrupt BRCA2 protein function. This variant has not been reported in the literature in individuals with BRCA2-related conditions. This sequence change replaces threonine with isoleucine at codon 1403 of the BRCA2 protein (p.Thr1403Ile). The threonine residue is weakly conserved and there is a moderate physicochemical difference between threonine and isoleucine.

Ambry Genetics
Classification: Uncertain significance for Hereditary cancer-predisposing syndrome. Last evaluated: 2017-01-20. Review status: criteria provided, single submitter. Criteria: Ambry Variant Classification Scheme 2023. Collection method: clinical testing. Allele origin: germline.
Comment: The p.T1403I variant (also known as c.4208C>T), located in coding exon 10 of the BRCA2 gene, results from a C to T substitution at nucleotide position 4208. The threonine at codon 1403 is replaced by isoleucine, an amino acid with similar properties. This amino acid position is not well conserved in available vertebrate species. In addition, this alteration is predicted to be tolerated by in silico analysis. Since supporting evidence is limited at this time, the clinical significance of this alteration remains unclear.

NM_000059.4(BRCA2):c.4208C>T (p.Thr1403Ile)

Gene: BRCA2 (BRCA2 DNA repair associated; plus strand). Cytogenetic location: 13q13.1.
Variant type: single nucleotide variant.
Coding change: c.4208C>T on transcript NM_000059.4 (MANE Select); coding-DNA position 4208, C replaced by T.
Protein change: p.Thr1403Ile; replaces threonine 1403 with isoleucine.
Molecular consequence: missense variant.
Genome position (GRCh38, 1-based): chr13:32,338,563, C>T. VCF-style: chr13-32338563-C-T. GRCh37 (hg19) VCF-style: chr13-32912700-C-T.
Other names: short protein forms T1403I.
Identifiers: ClinVar variation 1002381 (VCV001002381.13), dbSNP rs2072498862, ClinGen allele CA387780248.